The following is an entry in ClinVar:

ClinVar aggregate classification (germline): Likely benign. Review status: criteria provided, multiple submitters, no conflicts (2 of 4 stars). 2 submissions from 2 submitters: Likely benign (2). Last evaluated 2025-12-01.

Conditions:
Chédiak-Higashi syndrome (CHS). Also called: Chediak-Higashi Syndrome. Identifiers: Orphanet 167, MedGen C0007965, MONDO:0008963, OMIM 214500.

Allele frequency attached by ClinVar (database versions not stated): gnomAD exomes below 0.00001; gnomAD 0.00001; TOPMed 0.00001.
gnomAD v4.1: 4 of 1,612,810 alleles (0.00025%); highest among the groups gnomAD compares: Non-Finnish European, 0.00034%; no homozygotes.

Submissions (2):

Labcorp Genetics (formerly Invitae), Labcorp
Classification: Likely benign for Chédiak-Higashi syndrome. Last evaluated: 2025-12-01. Review status: criteria provided, single submitter. Criteria: Invitae Variant Classification Sherloc (09022015). Collection method: clinical testing. Allele origin: germline.

Mayo Clinic Laboratories, Mayo Clinic
Classification: Likely benign. Last evaluated: 2025-07-15. Review status: criteria provided, single submitter. Criteria: ACMG Guidelines, 2015. Collection method: clinical testing. Allele origin: germline. Observed: 1 variant allele.
Comment: BP4, BP7

NM_000081.4(LYST):c.6108T>C (p.Phe2036=)

Gene: LYST (lysosomal trafficking regulator; minus strand). Cytogenetic location: 1q42.3.
Variant type: single nucleotide variant.
Coding change: c.6108T>C on transcript NM_000081.4 (MANE Select); coding-DNA position 6108, T replaced by C.
Protein change: p.Phe2036=; no amino-acid change (phenylalanine 2036 retained).
Molecular consequence: synonymous variant.
Genome position (GRCh38, 1-based): chr1:235,766,092, A>G on the plus strand (T>C on the coding strand, the complement: LYST is on the minus strand). VCF-style: chr1-235766092-A-G. GRCh37 (hg19) VCF-style: chr1-235929392-A-G.
Other names: p.Phe2036=; c.6108T>C, p.Phe2036= (NM_001301365.1).
Identifiers: ClinVar variation 2892514 (VCV002892514.4), dbSNP rs931855282, ClinGen allele CA39619452.